The following is an entry in ClinVar:

ClinVar aggregate classification (germline): Benign/Likely benign. Review status: criteria provided, multiple submitters, no conflicts (2 of 4 stars). 5 submissions from 5 submitters: Benign (3); Likely benign (1). 1 of the submissions does not count toward it. Last evaluated 2026-09-01.

Conditions:
CEP57-related disorder. Also called: CEP57-related condition.
Mosaic variegated aneuploidy syndrome 2 (MVA2). Identifiers: Orphanet 1052, MedGen C3279843, MONDO:0013582, OMIM 614114.

Allele frequency attached by ClinVar (database versions not stated): 1000 Genomes Project 0.00399; 1000 Genomes Project 30x 0.00437; TOPMed 0.00555; gnomAD exomes 0.00562 and 0.00664; ESP Exome Variant Server 0.00585; ExAC 0.00586; gnomAD 0.00594 and 0.00613.
gnomAD v4.1: 10,579 of 1,613,574 alleles (0.66%); highest among the groups gnomAD compares: Non-Finnish European, 0.76%; 52 homozygotes.

Submissions (5):

CeGaT Center for Human Genetics Tuebingen
Classification: Likely benign. Last evaluated: 2026-09-01. Review status: criteria provided, single submitter. Criteria: CeGaT Center For Human Genetics Tuebingen Variant Classification Criteria Version 2. Collection method: clinical testing. Allele origin: germline. Affected: yes. Observed: 36 variant alleles.
Comment: CEP57: BS2

Labcorp Genetics (formerly Invitae), Labcorp
Classification: Benign for Mosaic variegated aneuploidy syndrome 2. Last evaluated: 2026-02-01. Review status: criteria provided, single submitter. Criteria: Invitae Variant Classification Sherloc (09022015). Collection method: clinical testing. Allele origin: germline.

PreventionGenetics, part of Exact Sciences
Classification: Benign for CEP57-related condition. Last evaluated: 2025-03-27. Review status: criteria provided, single submitter. Criteria: ACMG Guidelines, 2015. Collection method: clinical testing. Allele origin: germline.
Comment: This variant is classified as benign based on ACMG/AMP sequence variant interpretation guidelines (Richards et al. 2015 PMID: 25741868, with internal and published modifications).

Breakthrough Genomics
Classification: Benign. Review status: criteria provided, single submitter. Criteria: ACMG Guidelines, 2015. Collection method: not provided. Allele origin: germline. Inheritance: Autosomal recessive inheritance. Affected: yes.

Department of Pathology and Laboratory Medicine, Sinai Health System
Classification: Benign. Review status: no assertion criteria provided. Collection method: clinical testing. Allele origin: unknown. Affected: yes. Study: The Canadian Open Genetics Repository (COGR). Not counted in ClinVar's aggregate classification.
Comment: The CEP57 p.Gln102His variant was identified in the literature in 1 of 96 Italian patients with gastric or lobular breast cancers (Tedaldi_2019_PMID:31514334). The variant was identified in dbSNP (ID: rs117321017) and ClinVar (classified as benign by Invitae), but was not identified in LOVD 3.0 or Cosmic. The variant was identified in control databases in 1635 of 282426 chromosomes (12 homozygous) at a frequency of 0.005789 increasing the likelihood this could be a low frequency benign variant (Genome Aggregation Database March 6, 2019, v2.1.1). The variant was observed in the following populations: European (non-Finnish) in 1135 of 128908 chromosomes (freq: 0.008805), Other in 53 of 7198 chromosomes (freq: 0.007363), European (Finnish) in 167 of 25120 chromosomes (freq: 0.006648), Ashkenazi Jewish in 62 of 10366 chromosomes (freq: 0.005981), Latino in 104 of 35428 chromosomes (freq: 0.002936), South Asian in 76 of 30602 chromosomes (freq: 0.002483) and African in 38 of 24856 chromosomes (freq: 0.001529), but was not observed in the East Asian population. The p.Gln102 residue is conserved in mammals but not in more distantly related organisms however four out of five computational analyses (PolyPhen-2, SIFT, AlignGVGD, BLOSUM, MutationTaster) do not suggest a high likelihood of impact to the protein; this information is not predictive enough to rule out pathogenicity. The variant occurs outside of the splicing consensus sequence and in silico or computational prediction software programs (SpliceSiteFinder, MaxEntScan, NNSPLICE, GeneSplicer) do not predict a difference in splicing. In summary, based on the above information this variant meets our laboratory's criteria to be classified as benign.

NM_014679.5(CEP57):c.333G>C (p.Gln111His)

Gene: CEP57 (centrosomal protein 57; plus strand). Cytogenetic location: 11q21.
Variant type: single nucleotide variant.
Coding change: c.333G>C on transcript NM_014679.5 (MANE Select); coding-DNA position 333, G replaced by C.
Protein change: p.Gln111His; replaces glutamine 111 with histidine.
Molecular consequence: missense variant.
Genome position (GRCh38, 1-based): chr11:95,813,062, G>C. VCF-style: chr11-95813062-G-C. GRCh37 (hg19) VCF-style: chr11-95546226-G-C.
Other names: c.306G>C, p.Gln102His (NM_001243776.2); c.333G>C, p.Gln111His (NM_001243777.2); c.252G>C, p.Gln84His (NM_001363604.2); short protein forms Q111H, Q102H, Q84H.
Identifiers: ClinVar variation 414978 (VCV000414978.41), dbSNP rs117321017, ClinGen allele CA6239433.
Genomic context (GRCh38, chr11:95,813,062, plus strand): 5'-AGAAAGTGTGAAAACCTTGTCTAGAGAAACAATTGAATATAAGAAAGTACTGGATGAACA[G>C]ATACAAGAAAGGGAGAATTCAAAGAATGAGGAATCAAAGCACAATCAAGGTTTGTTGATG-3'
Protein context (NP_055494.2, residues 101-121): TIEYKKVLDE[Gln111His]IQERENSKNE